The following is an entry in ClinVar:

NM_022552.5(DNMT3A):c.2068G>A (p.Val690Ile)

Gene: DNMT3A (DNA methyltransferase 3 alpha; minus strand). Cytogenetic location: 2p23.3.
Variant type: single nucleotide variant.
Coding change: c.2068G>A on transcript NM_022552.5 (MANE Select); coding-DNA position 2068, G replaced by A.
Protein change: p.Val690Ile; replaces valine 690 with isoleucine.
Molecular consequence: missense variant. On other transcripts: non-coding transcript variant (1).
Genome position (GRCh38, 1-based): chr2:25,241,576, C>T on the plus strand (G>A on the coding strand, the complement: DNMT3A is on the minus strand). VCF-style: chr2-25241576-C-T. GRCh37 (hg19) VCF-style: chr2-25464445-C-T.
Other names: c.1612G>A, p.Val538Ile (NM_001320893.1); c.1399G>A, p.Val467Ile (NM_001375819.1); c.1501G>A, p.Val501Ile (NM_153759.3); c.2068G>A, p.Val690Ile (NM_175629.2); c.2068G>A (NM_022552.3); short protein forms V467I, V501I, V538I, V690I.
Identifiers: ClinVar variation 3600693 (VCV003600693.2).

ClinVar aggregate classification (germline): Uncertain significance. Review status: criteria provided, multiple submitters, no conflicts (2 of 4 stars). 2 submissions from 2 submitters: Uncertain significance (2). Last evaluated 2025-04-19.

Conditions:
Inborn genetic diseases. Identifiers: MedGen C0950123, MeSH D030342.

Submissions (2):

Ambry Genetics
Classification: Uncertain significance for Inborn genetic diseases. Last evaluated: 2025-04-19. Review status: criteria provided, single submitter. Criteria: Ambry Variant Classification Scheme 2023. Collection method: clinical testing. Allele origin: germline.
Comment: The p.V690I variant (also known as c.2068G>A), located in coding exon 16 of the DNMT3A gene, results from a G to A substitution at nucleotide position 2068. The valine at codon 690 is replaced by isoleucine, an amino acid with highly similar properties. This amino acid position is conserved. In addition, this alteration is predicted to be tolerated by in silico analysis. Based on the available evidence, the clinical significance of this variant remains unclear.

GeneDx
Classification: Uncertain significance. Last evaluated: 2024-07-21. Review status: criteria provided, single submitter. Criteria: GeneDx Variant Classification Process June 2021. Collection method: clinical testing. Allele origin: germline. Affected: yes.
Comment: Not observed at significant frequency in large population cohorts (gnomAD); In silico analysis indicates that this missense variant does not alter protein structure/function; Has not been previously published as pathogenic or benign to our knowledge